The following is an entry in ClinVar:

ClinVar aggregate classification (germline): Conflicting classifications of pathogenicity. Review status: criteria provided, conflicting classifications (1 of 4 stars). 4 submissions from 4 submitters: Pathogenic (2); Uncertain significance (1). 1 of the submissions does not count toward it. Last evaluated 2024-03-25.

Conditions:
Microcephaly, growth deficiency, seizures, and brain malformations. Identifiers: MedGen C5193042, MONDO:0032690, OMIM 618346.
Galloway-Mowat syndrome 6. Identifiers: MedGen C5193043, MONDO:0032691, OMIM 618347.
WDR4-related disorder. Also called: WDR4-Related Disorders; WDR4-related condition.

Submissions (4):

Genomic Medicine Center of Excellence, King Faisal Specialist Hospital and Research Centre
Classification: Uncertain significance for Galloway-Mowat syndrome 6. Last evaluated: 2024-03-25. Review status: criteria provided, single submitter. Criteria: ACMG Guidelines, 2015. Collection method: clinical testing. Allele origin: germline.

Blueprint Genetics
Classification: Pathogenic for WDR4-related disorders. Last evaluated: 2021-09-24. Review status: criteria provided, single submitter. Criteria: ACMG Guidelines, 2015. Collection method: clinical testing. Allele origin: germline. Affected: yes. Observed: 4 variant alleles.

Baylor Genetics
Classification: Pathogenic for Microcephaly, growth deficiency, seizures, and brain malformations. Last evaluated: 2020-06-03. Review status: criteria provided, single submitter. Criteria: ACMG Guidelines, 2015. Collection method: clinical testing. Allele origin: unknown. Affected: yes.
Comment: This variant was determined to be pathogenic according to ACMG Guidelines, 2015 [PMID:25741868].

OMIM
Classification: Pathogenic for MICROCEPHALY, GROWTH DEFICIENCY, SEIZURES, AND BRAIN MALFORMATIONS. Last evaluated: 2019-03-08. Review status: no assertion criteria provided. Collection method: literature only. Allele origin: germline. Not counted in ClinVar's aggregate classification.

Literature cited by the submitters: PubMed 26416026 (cited by OMIM).

NM_018669.6(WDR4):c.509G>T (p.Arg170Leu)

Gene: WDR4 (WDR4 tRNA N7-guanosine methyltransferase non-catalytic subunit; minus strand). Cytogenetic location: 21q22.3.
Variant type: single nucleotide variant.
Coding change: c.509G>T on transcript NM_018669.6 (MANE Select); coding-DNA position 509, G replaced by T.
Protein change: p.Arg170Leu; replaces arginine 170 with leucine.
Molecular consequence: missense variant. On other transcripts: non-coding transcript variant (1).
Genome position (GRCh38, 1-based): chr21:42,862,339, C>A on the plus strand (G>T on the coding strand, the complement: WDR4 is on the minus strand). VCF-style: chr21-42862339-C-A. GRCh37 (hg19) VCF-style: chr21-44282449-C-A.
Other names: c.509G>T, p.Arg170Leu (NM_001260474.2, NM_033661.5); c.71G>T, p.Arg24Leu (NM_001260475.2, NM_001260476.2, NM_001260477.2); short protein forms R170L, R24L.
Identifiers: ClinVar variation 619600 (VCV000619600.4), dbSNP rs1292041526, ClinGen allele CA410392506.